The following is an entry in ClinVar:

ClinVar aggregate classification (germline): Pathogenic (1 of 4 stars; one submission).

Conditions:
Myopathy caused by variation in POMGNT1. Identifiers: MedGen CN305639, MONDO:0700068.

Submission:

Myriad Genetics, Inc.
Classification: Pathogenic for Myopathy caused by variation in POMGNT1. Last evaluated: 2025-10-18. Review status: criteria provided, single submitter. Criteria: Myriad Autosomal Dominant, Autosomal Recessive and X-Linked Classification Criteria (2023). Collection method: clinical testing. Allele origin: unknown.
Comment: NM_017739.3(POMGNT1):c.1588_1592del5(L530Efs*11) is expected to be pathogenic in the context of POMGNT1-related disorders. This variant is predicted to lead to an abnormal or absent protein product due to the creation of a premature termination codon in POMGNT1, a gene where loss-of-function variants are known to be pathogenic. Please note: this variant was assessed in the context of healthy population screening.

NM_017739.4(POMGNT1):c.1588_1592del (p.Leu530fs)

Genes: POMGNT1 (protein O-linked mannose N-acetylglucosaminyltransferase 1 (beta 1,2-); minus strand), TSPAN1 (tetraspanin 1; plus strand). Cytogenetic location: 1p34.1.
Variant type: Deletion.
Coding change: c.1588_1592del on transcript NM_017739.4 (MANE Select); coding-DNA positions 1588 to 1592, 5 bases deleted (CTCAG; older notation c.1588_1592delCTCAG).
Protein change: p.Leu530fs; shifts the reading frame from leucine 530.
Molecular consequence: frameshift variant.
Genome position (GRCh38, 1-based): chr1:46,190,732-46,190,736, CTGAG deleted on the plus strand (CTCAG on the coding strand, the reverse complement: POMGNT1 is on the minus strand); deleting any 5 consecutive bases within chr1:46,190,732-46,190,739 gives the same sequence; the c. name uses the placement nearest the transcript's 3' end. VCF-style (leftmost placement, unchanged base first): chr1-46190731-CCTGAG-C. GRCh37 (hg19) VCF-style: chr1-46656403-CCTGAG-C.
Other names: c.1588_1592del, p.Leu530fs (NM_001243766.2, NM_001410783.1, NM_001437653.1 and 3 more transcripts); c.1522_1526del, p.Leu508fs (NM_001290129.3, NM_001438691.1, NM_001438692.1); c.1159_1163del, p.Leu387fs (NM_001290130.2); short protein forms L387fs, L508fs, L530fs.
Identifiers: ClinVar variation 5015108 (VCV005015108.1).